The following is an entry in ClinVar:

NM_012233.3(RAB3GAP1):c.1010G>A (p.Arg337Gln)

Gene: RAB3GAP1 (RAB3 GTPase activating protein catalytic subunit 1; plus strand). Cytogenetic location: 2q21.3.
Variant type: single nucleotide variant.
Coding change: c.1010G>A on transcript NM_012233.3 (MANE Select); coding-DNA position 1010, G replaced by A.
Protein change: p.Arg337Gln; replaces arginine 337 with glutamine.
Molecular consequence: missense variant.
Genome position (GRCh38, 1-based): chr2:135,130,031, G>A. VCF-style: chr2-135130031-G-A. GRCh37 (hg19) VCF-style: chr2-135887601-G-A.
Other names: c.1010G>A (NM_012233.2); c.1010G>A, p.Arg337Gln (NM_001172435.2); short protein forms R337Q.
Identifiers: ClinVar variation 2043147 (VCV002043147.4), dbSNP rs374385972, ClinGen allele CA1884732.
Genomic context (GRCh38, chr2:135,130,031, plus strand): 5'-AAAATAACTTTTTTTCCTACATAGGTGATTTTGTCACTGAATTTTTTAAAATTTGCCGTC[G>A]AAAGGAGTCAACTGATGAGATTCTTGGACGATCTGCATTTGAGGAAGAAGGCAAAGGTAA-3'
Protein context (NP_036365.1, residues 327-347): FVTEFFKICR[Arg337Gln]KESTDEILGR

ClinVar aggregate classification (germline): Uncertain significance. Review status: criteria provided, multiple submitters, no conflicts (2 of 4 stars). 2 submissions from 2 submitters: Uncertain significance (2). Last evaluated 2026-05-22.

Allele frequency attached by ClinVar (database versions not stated): ExAC 0.00010; ESP Exome Variant Server 0.00008.
gnomAD v4.1: 54 of 1,612,160 alleles (0.0033%); highest among the groups gnomAD compares: Admixed American, 0.047%; no homozygotes.

Submissions (2):

GeneDx
Classification: Uncertain significance. Last evaluated: 2026-05-22. Review status: criteria provided, single submitter. Criteria: GeneDx Variant Classification Process June 2021. Collection method: clinical testing. Allele origin: germline.
Comment: In silico analysis suggests that this missense variant does not alter protein structure/function; Has not been previously published as pathogenic or benign to our knowledge

Labcorp Genetics (formerly Invitae), Labcorp
Classification: Uncertain significance. Last evaluated: 2024-10-17. Review status: criteria provided, single submitter. Criteria: Invitae Variant Classification Sherloc (09022015). Collection method: clinical testing. Allele origin: germline.
Comment: This sequence change replaces arginine, which is basic and polar, with glutamine, which is neutral and polar, at codon 337 of the RAB3GAP1 protein (p.Arg337Gln). This variant is present in population databases (rs374385972, gnomAD 0.06%). This variant has not been reported in the literature in individuals affected with RAB3GAP1-related conditions. ClinVar contains an entry for this variant (Variation ID: 2043147). Invitae Evidence Modeling of protein sequence and biophysical properties (such as structural, functional, and spatial information, amino acid conservation, physicochemical variation, residue mobility, and thermodynamic stability) indicates that this missense variant is not expected to disrupt RAB3GAP1 protein function with a negative predictive value of 80%. In summary, the available evidence is currently insufficient to determine the role of this variant in disease. Therefore, it has been classified as a Variant of Uncertain Significance.